The following is an entry in ClinVar:

ClinVar aggregate classification (germline): Benign/Likely benign. Review status: criteria provided, multiple submitters, no conflicts (2 of 4 stars). 4 submissions from 4 submitters: Benign (1); Likely benign (3). Last evaluated 2024-07-26.

Conditions:
Familial cancer of breast. Also called: hereditary breast carcinoma; Hereditary breast cancer; BREAST CANCER, FAMILIAL. Identifiers: Orphanet 227535, MedGen C0346153, MONDO:0016419, OMIM 114480. Disease mechanism: loss of function.
Hereditary cancer-predisposing syndrome. Also called: Tumor predisposition; Hereditary neoplastic syndrome; Hereditary Cancer Syndrome; Neoplastic Syndromes, Hereditary. Identifiers: Orphanet 140162, MedGen C0027672, MeSH D009386, MONDO:0015356.

Allele frequency attached by ClinVar (database versions not stated): gnomAD exomes below 0.00001.
gnomAD v4.1: 1 of 1,614,056 alleles (0.000062%); no homozygotes.

Submissions (4):

Myriad Genetics, Inc.
Classification: Benign for Familial cancer of breast. Last evaluated: 2024-07-26. Review status: criteria provided, single submitter. Criteria: Myriad Autosomal Dominant, Autosomal Recessive and X-Linked Classification Criteria (2023). Collection method: clinical testing. Allele origin: unknown.
Comment: This variant is considered benign. This variant is a silent/synonymous amino acid change and it is not expected to impact splicing.

Labcorp Genetics (formerly Invitae), Labcorp
Classification: Likely benign for Familial cancer of breast. Last evaluated: 2024-04-10. Review status: criteria provided, single submitter. Criteria: Invitae Variant Classification Sherloc (09022015). Collection method: clinical testing. Allele origin: germline.

Ambry Genetics
Classification: Likely benign for Hereditary cancer-predisposing syndrome. Last evaluated: 2023-04-05. Review status: criteria provided, single submitter. Criteria: Ambry Variant Classification Scheme 2023. Collection method: clinical testing. Allele origin: germline.

Color Diagnostics, LLC DBA Color Health
Classification: Likely benign for Hereditary cancer-predisposing syndrome. Last evaluated: 2020-10-05. Review status: criteria provided, single submitter. Criteria: ACMG Guidelines, 2015. Collection method: clinical testing. Allele origin: germline.

NM_000465.4(BARD1):c.1761G>A (p.Glu587=)

Gene: BARD1 (BRCA1 associated RING domain 1; minus strand). Cytogenetic location: 2q35.
Variant type: single nucleotide variant.
Coding change: c.1761G>A on transcript NM_000465.4 (MANE Select); coding-DNA position 1761, G replaced by A.
Protein change: p.Glu587=; no amino-acid change (glutamic acid 587 retained).
Molecular consequence: synonymous variant. On other transcripts: non-coding transcript variant (3), intron variant (1).
Genome position (GRCh38, 1-based): chr2:214,745,771, C>T on the plus strand (G>A on the coding strand, the complement: BARD1 is on the minus strand). VCF-style: chr2-214745771-C-T. GRCh37 (hg19) VCF-style: chr2-215610495-C-T.
Other names: c.1704G>A, p.Glu568= (NM_001282543.2); c.408G>A, p.Glu136= (NM_001282545.2); c.351G>A, p.Glu117= (NM_001282548.2); c.365-15263G>A (NM_001282549.2); c.1761G>A (NM_000465.2).
Identifiers: ClinVar variation 1172073 (VCV001172073.7), dbSNP rs1060501284, ClinGen allele CA431145889.